The following is an entry in ClinVar:

NM_138295.5(PKD1L1):c.-6C>T

Gene: PKD1L1 (polycystin 1 like 1, transient receptor potential channel interacting; minus strand). Cytogenetic location: 7p12.3.
Variant type: single nucleotide variant.
Coding change: c.-6C>T on transcript NM_138295.5 (MANE Select); 6 bases upstream of the start codon, C replaced by T.
Molecular consequence: 5 prime UTR variant.
Genome position (GRCh38, 1-based): chr7:47,948,446, G>A on the plus strand (C>T on the coding strand, the complement: PKD1L1 is on the minus strand). VCF-style: chr7-47948446-G-A. GRCh37 (hg19) VCF-style: chr7-47988043-G-A.
Identifiers: ClinVar variation 3353072 (VCV003353072.2).
Genomic context (GRCh38, chr7:47,948,446, plus strand): 5'-TGATAACTCACCTTTCCTGGTCATCAGAAATGTTCTGGGCTGCCTCCTCGGCCATGTCCT[G>A]TGCAAGCTGGTCACAAGTATGACAGTCAGCAGACCAGCTTCTTCCTACATCCTCTGGAAG-3'

ClinVar aggregate classification (germline): Uncertain significance. Review status: criteria provided, single submitter (1 of 4 stars). 2 submissions from 2 submitters: Uncertain significance (1). 1 of the submissions does not count toward it. Last evaluated 2025-02-21.

Conditions:
PKD1L1-related disorder. Also called: PKD1L1-related condition.

gnomAD v4.1: 50 of 1,613,894 alleles (0.0031%); highest among the groups gnomAD compares: East Asian, 0.011%; no homozygotes.

Submissions (2):

GeneDx
Classification: Uncertain significance. Last evaluated: 2025-02-21. Review status: criteria provided, single submitter. Criteria: GeneDx Variant Classification Process June 2021. Collection method: clinical testing. Allele origin: germline. Affected: yes.
Comment: Not observed at significant frequency in large population cohorts (gnomAD); Located in a region that tolerates variation and lacks pathogenic variants; Has not been previously published as pathogenic or benign to our knowledge

PreventionGenetics, part of Exact Sciences
Classification: Likely benign for PKD1L1-related condition. Last evaluated: 2024-06-08. Review status: no assertion criteria provided. Collection method: clinical testing. Allele origin: germline. Not counted in ClinVar's aggregate classification.
Comment: This variant is classified as likely benign based on ACMG/AMP sequence variant interpretation guidelines (Richards et al. 2015 PMID: 25741868, with internal and published modifications).